The following is an entry in ClinVar:

NM_005422.4(TECTA):c.6089T>C (p.Ile2030Thr)

Genes: TBCEL-TECTA (TBCEL-TECTA readthrough; plus strand), TECTA (tectorin alpha; plus strand). Cytogenetic location: 11q23.3.
Variant type: single nucleotide variant.
Coding change: c.6089T>C on transcript NM_005422.4 (MANE Select); coding-DNA position 6089, T replaced by C.
Protein change: p.Ile2030Thr; replaces isoleucine 2030 with threonine.
Molecular consequence: missense variant.
Genome position (GRCh38, 1-based): chr11:121,187,921, T>C. VCF-style: chr11-121187921-T-C. GRCh37 (hg19) VCF-style: chr11-121058630-T-C.
Other names: c.7031T>C, p.Ile2344Thr (NM_001378761.1); short protein forms I2030T, I2344T.
Identifiers: ClinVar variation 229302 (VCV000229302.8), dbSNP rs876658017, ClinGen allele CA10576839.

ClinVar aggregate classification (germline): Uncertain significance. Review status: criteria provided, multiple submitters, no conflicts (2 of 4 stars). 4 submissions from 4 submitters: Uncertain significance (4). Last evaluated 2026-07-03.

Conditions:
Inborn genetic diseases. Identifiers: MedGen C0950123, MeSH D030342.

Allele frequency attached by ClinVar (database versions not stated): TOPMed 0.00003; gnomAD 0.00002; gnomAD exomes below 0.00001.
gnomAD v4.1: 7 of 1,614,114 alleles (0.00043%); highest among the groups gnomAD compares: Middle Eastern, 0.016%; no homozygotes.

Submissions (4):

Ambry Genetics
Classification: Uncertain significance for Inborn genetic diseases. Last evaluated: 2026-07-03. Review status: criteria provided, single submitter. Criteria: Ambry Variant Classification Scheme 2023. Collection method: clinical testing. Allele origin: germline.

Labcorp Genetics (formerly Invitae), Labcorp
Classification: Uncertain significance. Last evaluated: 2025-04-18. Review status: criteria provided, single submitter. Criteria: Invitae Variant Classification Sherloc (09022015). Collection method: clinical testing. Allele origin: germline.
Comment: This sequence change replaces isoleucine, which is neutral and non-polar, with threonine, which is neutral and polar, at codon 2030 of the TECTA protein (p.Ile2030Thr). This variant is not present in population databases (gnomAD no frequency). This variant has not been reported in the literature in individuals affected with TECTA-related conditions. ClinVar contains an entry for this variant (Variation ID: 229302). Invitae Evidence Modeling of protein sequence and biophysical properties (such as structural, functional, and spatial information, amino acid conservation, physicochemical variation, residue mobility, and thermodynamic stability) indicates that this missense variant is not expected to disrupt TECTA protein function with a negative predictive value of 95%. In summary, the available evidence is currently insufficient to determine the role of this variant in disease. Therefore, it has been classified as a Variant of Uncertain Significance.

Laboratory for Molecular Medicine, Mass General Brigham Personalized Medicine
Classification: Uncertain significance. Last evaluated: 2016-02-28. Review status: criteria provided, single submitter. Criteria: LMM Criteria. Collection method: clinical testing. Allele origin: germline. Observed: 2 variant alleles.
Comment: The p.Ile2030Thr variant in TECTA has not been previously reported in individual s with hearing loss and was absent from large population studies. Computational prediction tools and conservation analyses suggest that the p.Ile2030Thr variant may impact the protein, though this information is not predictive enough to det ermine pathogenicity. In summary, the clinical significance of the p.Ile2030Thr variant is uncertain.

Breakthrough Genomics
Classification: Uncertain significance. Review status: criteria provided, single submitter. Criteria: ACMG Guidelines, 2015. Collection method: not provided. Allele origin: germline. Inheritance: Autosomal recessive inheritance. Affected: yes.